The following is an entry in ClinVar:

NM_024596.5(MCPH1):c.425A>T (p.Lys142Ile)

Gene: MCPH1 (microcephalin 1; plus strand). Cytogenetic location: 8p23.1.
Variant type: single nucleotide variant.
Coding change: c.425A>T on transcript NM_024596.5 (MANE Select); coding-DNA position 425, A replaced by T.
Protein change: p.Lys142Ile; replaces lysine 142 with isoleucine.
Molecular consequence: missense variant.
Genome position (GRCh38, 1-based): chr8:6,436,151, A>T. VCF-style: chr8-6436151-A-T. GRCh37 (hg19) VCF-style: chr8-6293672-A-T.
Other names: c.425A>T, p.Lys142Ile (NM_001172574.2, NM_001172575.2, NM_001322042.2 and 4 more transcripts); c.419A>T, p.Lys140Ile (NM_001322043.2); c.323A>T, p.Lys108Ile (NM_001322045.2); short protein forms K108I, K140I, K142I.
Identifiers: ClinVar variation 1994932 (VCV001994932.4), dbSNP rs2486027449, ClinGen allele CA370217806.

ClinVar aggregate classification (germline): Uncertain significance (1 of 4 stars; one submission).

Submission:

Labcorp Genetics (formerly Invitae), Labcorp
Classification: Uncertain significance. Last evaluated: 2022-05-15. Review status: criteria provided, single submitter. Criteria: Invitae Variant Classification Sherloc (09022015). Collection method: clinical testing. Allele origin: germline.
Comment: This sequence change replaces lysine, which is basic and polar, with isoleucine, which is neutral and non-polar, at codon 142 of the MCPH1 protein (p.Lys142Ile). This variant is not present in population databases (gnomAD no frequency). This variant has not been reported in the literature in individuals affected with MCPH1-related conditions. Algorithms developed to predict the effect of missense changes on protein structure and function are either unavailable or do not agree on the potential impact of this missense change (SIFT: "Not Available"; PolyPhen-2: "Probably Damaging"; Align-GVGD: "Not Available"). In summary, the available evidence is currently insufficient to determine the role of this variant in disease. Therefore, it has been classified as a Variant of Uncertain Significance.